The following is an entry in ClinVar:

NM_000187.4(HGD):c.343G>C (p.Gly115Arg)

Gene: HGD (homogentisate 1,2-dioxygenase; minus strand). Cytogenetic location: 3q13.33.
Variant type: single nucleotide variant.
Coding change: c.343G>C on transcript NM_000187.4 (MANE Select); coding-DNA position 343, G replaced by C.
Protein change: p.Gly115Arg; replaces glycine 115 with arginine.
Molecular consequence: missense variant.
Genome position (GRCh38, 1-based): chr3:120,650,865, C>G on the plus strand (G>C on the coding strand, the complement: HGD is on the minus strand). VCF-style: chr3-120650865-C-G. GRCh37 (hg19) VCF-style: chr3-120369712-C-G.
Other names: short protein forms G115R.
Identifiers: ClinVar variation 1184269 (VCV001184269.11), dbSNP rs755734596, ClinGen allele CA2560233.

ClinVar aggregate classification (germline): Conflicting classifications of pathogenicity. Review status: criteria provided, conflicting classifications (1 of 4 stars). 5 submissions from 5 submitters: Pathogenic (1); Likely pathogenic (2); Uncertain significance (1). 1 of the submissions does not count toward it. Last evaluated 2026-06-25.

Conditions:
Alkaptonuria (AKU). Also called: HOMOGENTISIC ACID OXIDASE DEFICIENCY; Alkaptonuric ochronosis; Homogentisic acidura; Alcaptonuria. Identifiers: Orphanet 56, MedGen C0002066, MONDO:0008753, OMIM 203500.

Allele frequency attached by ClinVar (database versions not stated): ExAC 0.00001; gnomAD 0.00001; gnomAD exomes 0.00001; TOPMed 0.00001.
gnomAD v4.1: 73 of 1,612,046 alleles (0.0045%); highest among the groups gnomAD compares: Non-Finnish European, 0.0062%; no homozygotes.

Submissions (6):

Myriad Genetics, Inc.
Classification: Uncertain significance for Alkaptonuria. Last evaluated: 2026-06-25. Review status: criteria provided, single submitter. Criteria: Myriad Autosomal Dominant, Autosomal Recessive and X-Linked Classification Criteria (2023). Collection method: clinical testing. Allele origin: unknown.
Comment: NM_000187.3(HGD):c.343G>C(G115R) is a missense variant classified as a variant of uncertain significance in the context of alkaptonuria. G115R has been observed in a case with relevant disease (PMID: 25681086, 23430897, 21720873). Relevant functional assessments of this variant are not available in the literature. G115R has been observed in referenced population frequency databases. In summary, there is insufficient evidence to classify NM_000187.3(HGD):c.343G>C(G115R) as pathogenic or benign. Please note: this variant was assessed in the context of healthy population screening.

Labcorp Genetics (formerly Invitae), Labcorp
Classification: Pathogenic for Alkaptonuria. Last evaluated: 2025-06-23. Review status: criteria provided, single submitter. Criteria: Invitae Variant Classification Sherloc (09022015). Collection method: clinical testing. Allele origin: germline.
Comment: This sequence change replaces glycine, which is neutral and non-polar, with arginine, which is basic and polar, at codon 115 of the HGD protein (p.Gly115Arg). This variant is present in population databases (rs755734596, gnomAD 0.002%). This missense change has been observed in individual(s) with alkaptonuria (PMID: 21720873, 25681086; internal data). ClinVar contains an entry for this variant (Variation ID: 1184269). Invitae Evidence Modeling of protein sequence and biophysical properties (such as structural, functional, and spatial information, amino acid conservation, physicochemical variation, residue mobility, and thermodynamic stability) indicates that this missense variant is expected to disrupt HGD protein function with a positive predictive value of 95%. For these reasons, this variant has been classified as Pathogenic.

Fulgent Genetics
Classification: Likely pathogenic for Alkaptonuria. Last evaluated: 2024-05-07. Review status: criteria provided, single submitter. Criteria: ACMG Guidelines, 2015. Collection method: clinical testing. Allele origin: germline.

NxGen MDx
Classification: Likely pathogenic for Alkaptonuria. Last evaluated: 2019-12-09. Review status: criteria provided, single submitter. Criteria: ACMG Guidelines, 2015. Collection method: clinical testing. Allele origin: unknown.
Comment: This missense variant (c.343G>C) affects the 3rd nucleotide in the final amino acid in exon 6 of HGD, which is a hotspot (PM1). The equivalent amino-acid variant Gly115Arg (chr3:120369710 GCCâ‡’CCT) is classified pathogenic and associated with Alkaptonuria by UniProt based on a clinical report in Usher et al. (PMID 25681086) in 2 cases with 2nd allele K431fs and M368V respectively. In silico models produced pathogenic predictions (PP3). This variant is not found in gnomAD databases (PM2) and this region of HGD has a low rate of benign missense variation (PP2). This variant was first reported by Zatkova et al. in 2012 (PMID 23430897) in 1 case with no 2nd allele information. We interpret c.343G>C to be likely pathogenic.

Department Of Human Genetics, Institute Of Clinical And Translational Research, Biomedical Research Center, Slovak Academy Of Sciences
Classification: Pathogenic for Alkaptonuria. Review status: no assertion criteria provided. Collection method: research. Allele origin: germline. Inheritance: Autosomal recessive inheritance. Affected: yes. Observed: 4 variant alleles. Not counted in ClinVar's aggregate classification.
Comment: The variant was described in AKU patient in PMID:23430897. It has been submitted to the HGD gene mutation database (DB-ID: AKU_00146).

Dr. Peter K. Rogan Lab, Western University
No classification provided (evidence only). Condition: Clear cell carcinoma of kidney. Review status: no classification provided. Collection method: in vitro. Allele origin: not applicable. Functional consequence: retained intron. Not counted in ClinVar's aggregate classification.

Literature cited by the submitters: PubMed 21720873 (cited by Myriad Genetics, Inc. and Labcorp Genetics (formerly Invitae), Labcorp); PubMed 23430897 (cited by 3 submitters); PubMed 25681086 (cited by 3 submitters).